The following is an entry in ClinVar:

NM_000180.4(GUCY2D):c.2545A>G (p.Thr849Ala)

Gene: GUCY2D (guanylate cyclase 2D, retinal; plus strand). Cytogenetic location: 17p13.1.
Variant type: single nucleotide variant.
Coding change: c.2545A>G on transcript NM_000180.4 (MANE Select); coding-DNA position 2545, A replaced by G.
Protein change: p.Thr849Ala; replaces threonine 849 with alanine.
Molecular consequence: missense variant.
Genome position (GRCh38, 1-based): chr17:8,014,733, A>G. VCF-style: chr17-8014733-A-G. GRCh37 (hg19) VCF-style: chr17-7918051-A-G.
Other names: short protein forms T849A.
Identifiers: ClinVar variation 1491160 (VCV001491160.7), dbSNP rs2151803362, ClinGen allele CA397953755.

ClinVar aggregate classification (germline): Likely pathogenic. Review status: criteria provided, multiple submitters, no conflicts (2 of 4 stars). 2 submissions from 2 submitters: Likely pathogenic (2). Last evaluated 2024-05-29.

Conditions:
GUCY2D-related disorders.
Cone-rod dystrophy 6 (CORD6). Also called: RETINAL CONE DYSTROPHY 2; Cone dystrophy progressive. Identifiers: Orphanet 1872, MedGen C1866293, MONDO:0011143, OMIM 601777.
Leber congenital amaurosis 1 (LCA1). Also called: AMAUROSIS CONGENITA OF LEBER I; RETINAL BLINDNESS, CONGENITAL; Congenital absence of the rods and cones; Leber's congenital tapetoretinal degeneration; Leber's congenital tapetoretinal dysplasia. Identifiers: Orphanet 65, MedGen C2931258, MONDO:0008764, OMIM 204000.

Submissions (2):

Blueprint Genetics
Classification: Likely pathogenic for GUCY2D-related disorders. Last evaluated: 2024-05-29. Review status: criteria provided, single submitter. Criteria: ACMG Guidelines, 2015. Collection method: clinical testing. Allele origin: germline. Affected: yes. Observed: 1 variant allele.

Labcorp Genetics (formerly Invitae), Labcorp
Classification: Likely pathogenic for Leber congenital amaurosis 1; Cone-rod dystrophy 6. Last evaluated: 2022-04-11. Review status: criteria provided, single submitter. Criteria: Invitae Variant Classification Sherloc (09022015). Collection method: clinical testing. Allele origin: germline.
Comment: This variant is not present in population databases (gnomAD no frequency). In summary, the currently available evidence indicates that the variant is pathogenic, but additional data are needed to prove that conclusively. Therefore, this variant has been classified as Likely Pathogenic. Algorithms developed to predict the effect of missense changes on protein structure and function (SIFT, PolyPhen-2, Align-GVGD) all suggest that this variant is likely to be disruptive. This missense change has been observed in individual(s) with autosomal dominant GUCY2D-related conditions (PMID: 23734073). It has also been observed to segregate with disease in related individuals. This sequence change replaces threonine, which is neutral and polar, with alanine, which is neutral and non-polar, at codon 849 of the GUCY2D protein (p.Thr849Ala).

Literature cited by the submitters: PubMed 23734073 (cited by Labcorp Genetics (formerly Invitae), Labcorp).